The following is an entry in ClinVar:

ClinVar aggregate classification (germline): Conflicting classifications of pathogenicity. Review status: criteria provided, conflicting classifications (1 of 4 stars). 12 submissions from 12 submitters: Uncertain significance (1); Likely benign (6). 5 of the submissions do not count toward it. Last evaluated 2025-10-07.

Conditions:
TTN-related disorder. Also called: TTN-related condition; TTN-related disease; TTN-related disorders.
Cardiovascular phenotype. Identifiers: MedGen CN230736.
Autosomal recessive limb-girdle muscular dystrophy type 2J (LGMDR10). Also called: Limb-girdle muscular dystrophy, type 2J; MUSCULAR DYSTROPHY, LIMB-GIRDLE, AUTOSOMAL RECESSIVE 10. Identifiers: Orphanet 140922, MedGen C1837342, MONDO:0012127, OMIM 608807.
Dilated cardiomyopathy 1G (CMD1G). Identifiers: Orphanet 154, MedGen C1858763, MONDO:0011400, OMIM 604145.
Cardiomyopathy (CMYO). Also called: Cardiomyopathies. Identifiers: Orphanet 167848, MedGen C0878544, MONDO:0004994, HP:0001638. Inheritance: Various modes of inheritance.

Allele frequency attached by ClinVar (database versions not stated): TOPMed 0.00001; gnomAD 0.00002 and 0.00003; gnomAD exomes 0.00002 and 0.00003; ExAC 0.00004.
gnomAD v4.1: 43 of 1,606,022 alleles (0.0027%); highest among the groups gnomAD compares: Middle Eastern, 0.26%; 1 homozygote.

Submissions (12):

Labcorp Genetics (formerly Invitae), Labcorp
Classification: Likely benign for Dilated cardiomyopathy 1G; Autosomal recessive limb-girdle muscular dystrophy type 2J. Last evaluated: 2025-10-07. Review status: criteria provided, single submitter. Criteria: Invitae Variant Classification Sherloc (09022015). Collection method: clinical testing. Allele origin: germline.

CeGaT Center for Human Genetics Tuebingen
Classification: Likely benign. Last evaluated: 2025-01-01. Review status: criteria provided, single submitter. Criteria: CeGaT Center For Human Genetics Tuebingen Variant Classification Criteria Version 2. Collection method: clinical testing. Allele origin: germline. Affected: yes. Observed: 2 variant alleles.
Comment: TTN: BP4, BP7

Blueprint Genetics
Classification: Likely benign. Last evaluated: 2024-11-12. Review status: criteria provided, single submitter. Criteria: ACMG Guidelines, 2015. Collection method: clinical testing. Allele origin: germline.

Ambry Genetics
Classification: Likely benign for Cardiovascular phenotype. Last evaluated: 2020-03-05. Review status: criteria provided, single submitter. Criteria: Ambry Variant Classification Scheme 2023. Collection method: clinical testing. Allele origin: germline.

CHEO Genetics Diagnostic Laboratory, Children's Hospital of Eastern Ontario
Classification: Likely benign for Cardiomyopathy. Last evaluated: 2016-08-02. Review status: criteria provided, single submitter. Criteria: ACMG Guidelines, 2015. Collection method: clinical testing. Allele origin: germline. Study: Canadian Open Genetics Repository.

Eurofins Ntd Llc (ga)
Classification: Uncertain significance. Last evaluated: 2016-06-23. Review status: criteria provided, single submitter. Criteria: EGL Classification Definitions 2015. Collection method: clinical testing. Allele origin: germline. Observed: 1 variant allele, 1 heterozygote.

Laboratory for Molecular Medicine, Mass General Brigham Personalized Medicine
Classification: Likely benign. Last evaluated: 2015-08-13. Review status: criteria provided, single submitter. Criteria: LMM Criteria. Collection method: clinical testing. Allele origin: germline. Observed: 1 variant allele.
Comment: p.Thr19205Thr in exon 261 of TTN: This variant is not expected to have clinical significance because it does not alter an amino acid residue and is not located within the splice consensus sequence. It has been identified in 2/10280 South As ian chromosomes by the Exome Aggregation Consortium (ExAC).

PreventionGenetics, part of Exact Sciences
Classification: Likely benign for TTN-related condition. Last evaluated: 2019-07-22. Review status: no assertion criteria provided. Collection method: clinical testing. Allele origin: germline. Not counted in ClinVar's aggregate classification.
Comment: This variant is classified as likely benign based on ACMG/AMP sequence variant interpretation guidelines (Richards et al. 2015 PMID: 25741868, with internal and published modifications).

Clinical Genetics DNA and cytogenetics Diagnostics Lab, Erasmus MC, Erasmus Medical Center
Classification: Likely benign. Review status: no assertion criteria provided. Collection method: clinical testing. Allele origin: germline. Affected: yes. Study: VKGL Data-share Consensus. Not counted in ClinVar's aggregate classification.

Clinical Genetics, Academic Medical Center
Classification: Benign. Review status: no assertion criteria provided. Collection method: clinical testing. Allele origin: germline. Affected: yes. Study: VKGL Data-share Consensus. Not counted in ClinVar's aggregate classification.

Diagnostic Laboratory, Department of Genetics, University Medical Center Groningen
Classification: Likely benign. Review status: no assertion criteria provided. Collection method: clinical testing. Allele origin: germline. Affected: yes. Study: VKGL Data-share Consensus. Not counted in ClinVar's aggregate classification.

Joint Genome Diagnostic Labs from Nijmegen and Maastricht, Radboudumc and MUMC+
Classification: Likely benign. Review status: no assertion criteria provided. Collection method: clinical testing. Allele origin: germline. Affected: yes. Study: VKGL Data-share Consensus. Not counted in ClinVar's aggregate classification.

NM_001267550.2(TTN):c.65319T>C (p.Thr21773=)

Genes: TTN (titin; minus strand), TTN-AS1 (TTN antisense RNA 1; plus strand). Cytogenetic location: 2q31.2.
Variant type: single nucleotide variant.
Coding change: c.65319T>C on transcript NM_001267550.2 (MANE Select); coding-DNA position 65319, T replaced by C.
Protein change: p.Thr21773=; no amino-acid change (threonine 21773 retained).
Molecular consequence: synonymous variant. On other transcripts: non-coding transcript variant (1).
Genome position (GRCh38, 1-based): chr2:178,583,863, A>G on the plus strand (T>C on the coding strand, the complement: TTN is on the minus strand). VCF-style: chr2-178583863-A-G. GRCh37 (hg19) VCF-style: chr2-179448590-A-G.
Other names: c.60396T>C, p.Thr20132= (NM_001256850.1); c.57615T>C, p.Thr19205= (NM_133378.4); c.38124T>C, p.Thr12708= (NM_003319.4); c.38499T>C, p.Thr12833= (NM_133432.3); c.38700T>C, p.Thr12900= (NM_133437.4).
Identifiers: ClinVar variation 228126 (VCV000228126.64), dbSNP rs746956869, ClinGen allele CA1991724.